The following is an entry in ClinVar:

ClinVar aggregate classification (germline): Uncertain significance. Review status: criteria provided, multiple submitters, no conflicts (2 of 4 stars). 3 submissions from 3 submitters: Uncertain significance (3). Last evaluated 2024-04-16.

Conditions:
Malignant hyperthermia, susceptibility to, 1 (MHS1). Also called: Malignant hyperthermia suceptibility 1; Anesthesia related hyperthermia; Malignant hyperpyrexia; Fulminating hyperpyrexia; Pharmacogenic myopathy; RYR1-Related Malignant Hyperthermia Susceptibility. Identifiers: Orphanet 423, MedGen C2930980, MONDO:0007783, OMIM 145600.

Allele frequency attached by ClinVar (database versions not stated): gnomAD 0.00001; gnomAD exomes 0.00002.

Submissions (3):

All of Us Research Program, National Institutes of Health
Classification: Uncertain significance for Malignant hyperthermia, susceptibility to, 1. Last evaluated: 2024-04-16. Review status: criteria provided, single submitter. Criteria: ACMG Guidelines, 2015. Collection method: clinical testing. Allele origin: germline. Inheritance: Autosomal dominant inheritance. Observed: 2 variant alleles, 2 heterozygotes.
Comment: This missense variant replaces methionine with isoleucine at codon 1461 of the RYR1 protein. Computational prediction suggests that this variant may not impact protein structure and function (internally defined REVEL score threshold <= 0.5, PMID: 27666373). To our knowledge, functional studies have not been reported for this variant. This variant has not been reported in individuals affected with RYR1-related disorders in the literature. This variant has not been identified in the general population by the Genome Aggregation Database (gnomAD). The available evidence is insufficient to determine the role of this variant in disease conclusively. Therefore, this variant is classified as a Variant of Uncertain Significance.

This study involves interpretation of variants in research participants for the purpose of population health screening. Participant phenotype was not available at the time of variant classification. Additional details can be found in publication PMID: 35346344, PMCID: PMC8962531

Color Diagnostics, LLC DBA Color Health
Classification: Uncertain significance for Malignant hyperthermia, susceptibility to, 1. Last evaluated: 2024-03-19. Review status: criteria provided, single submitter. Criteria: ACMG Guidelines, 2015. Collection method: clinical testing. Allele origin: germline.
Comment: This missense variant replaces methionine with isoleucine at codon 1461 of the RYR1 protein. Computational prediction suggests that this variant may not impact protein structure and function. To our knowledge, functional studies have not been reported for this variant. This variant has not been reported in individuals affected with RYR1-related disorders in the literature. This variant has not been identified in the general population by the Genome Aggregation Database (gnomAD). The available evidence is insufficient to determine the role of this variant in disease conclusively. Therefore, this variant is classified as a Variant of Uncertain Significance.

Blueprint Genetics
Classification: Uncertain significance. Last evaluated: 2023-02-07. Review status: criteria provided, single submitter. Criteria: ACMG Guidelines, 2015. Collection method: clinical testing. Allele origin: germline.

NM_000540.3(RYR1):c.4383G>A (p.Met1461Ile)

Gene: RYR1 (ryanodine receptor 1; plus strand). Cytogenetic location: 19q13.2.
Variant type: single nucleotide variant.
Coding change: c.4383G>A on transcript NM_000540.3 (MANE Select); coding-DNA position 4383, G replaced by A.
Protein change: p.Met1461Ile; replaces methionine 1461 with isoleucine.
Molecular consequence: missense variant.
Genome position (GRCh38, 1-based): chr19:38,477,799, G>A. VCF-style: chr19-38477799-G-A. GRCh37 (hg19) VCF-style: chr19-38968439-G-A.
Other names: c.4383G>A, p.Met1461Ile (NM_001042723.2); short protein forms M1461I.
Identifiers: ClinVar variation 3073423 (VCV003073423.4), dbSNP rs1968809370, ClinGen allele CA405646032.
Genomic context (GRCh38, chr19:38,477,799, plus strand): 5'-ACAGGAGCCCAGCTGCGTGTGGGCGGGCTGGGTCACCCCTGACTACCATCAGCACGACAT[G>A]AGCTTCGACCTCAGCAAGGTCCGGGTCGTGACGGTGACCATGGGGGATGAACAAGGCAAC-3'
Protein context (NP_000531.2, residues 1451-1471): WVTPDYHQHD[Met1461Ile]SFDLSKVRVV